The following is an entry in ClinVar:

ClinVar aggregate classification (germline): Benign. Review status: criteria provided, multiple submitters, no conflicts (2 of 4 stars). 3 submissions from 3 submitters: Benign (3). Last evaluated 2026-09-01.

Conditions:
Rubinstein-Taybi syndrome due to EP300 haploinsufficiency. Also called: RUBINSTEIN-TAYBI SYNDROME 2; EP300-Related Rubinstein-Taybi Syndrome. Identifiers: Orphanet 353284, Orphanet 783, MedGen C3150941, MONDO:0013364, OMIM 613684.

Allele frequency attached by ClinVar (database versions not stated): gnomAD exomes 0.00688 and 0.00966; gnomAD 0.00711 and 0.00718; ExAC 0.00742; ESP Exome Variant Server 0.00838; 1000 Genomes Project 0.00180; 1000 Genomes Project 30x 0.00187; TOPMed 0.00669.
gnomAD v4.1: 15,185 of 1,614,094 alleles (0.94%); highest among the groups gnomAD compares: Non-Finnish European, 1.2%; 94 homozygotes.

Submissions (3):

CeGaT Center for Human Genetics Tuebingen
Classification: Benign. Last evaluated: 2026-09-01. Review status: criteria provided, single submitter. Criteria: CeGaT Center For Human Genetics Tuebingen Variant Classification Criteria Version 2. Collection method: clinical testing. Allele origin: germline. Affected: yes. Observed: 80 variant alleles.
Comment: EP300: BP4, BS1, BS2

Labcorp Genetics (formerly Invitae), Labcorp
Classification: Benign for Rubinstein-Taybi syndrome due to EP300 haploinsufficiency. Last evaluated: 2026-01-27. Review status: criteria provided, single submitter. Criteria: Invitae Variant Classification Sherloc (09022015). Collection method: clinical testing. Allele origin: germline.

Genetic Services Laboratory, University of Chicago
Classification: Benign. Last evaluated: 2015-01-06. Review status: criteria provided, single submitter. Criteria: ACMG Guidelines, 2015. Collection method: clinical testing. Allele origin: germline.

NM_001429.4(EP300):c.1168+7G>C

Gene: EP300 (EP300 lysine acetyltransferase; plus strand). Cytogenetic location: 22q13.2.
Variant type: single nucleotide variant.
Coding change: c.1168+7G>C on transcript NM_001429.4 (MANE Select); 7 bases into the intron after coding-DNA position 1168, G replaced by C.
Molecular consequence: intron variant.
Genome position (GRCh38, 1-based): chr22:41,127,755, G>C. VCF-style: chr22-41127755-G-C. GRCh37 (hg19) VCF-style: chr22-41523759-G-C.
Other names: c.1168+7G>C (NM_001362843.2).
Identifiers: ClinVar variation 210937 (VCV000210937.47), dbSNP rs181755354, ClinGen allele CA207614.
Genomic context (GRCh38, chr22:41,127,755, plus strand): 5'-TGAAGAATGTCCTAAACCACATGACACACTGCCAGTCAGGCAAGTCTTGCCAAGGTAAGT[G>C]GACCCACAGGGTTACTGTACTTAGCAATTTTTACAGCCAGGGAGAAGAAGGAAAATGTGA-3'